The following is an entry in ClinVar:

NM_024675.4(PALB2):c.584T>G (p.Ile195Arg)

Gene: PALB2 (partner and localizer of BRCA2; minus strand). Cytogenetic location: 16p12.2.
Variant type: single nucleotide variant.
Coding change: c.584T>G on transcript NM_024675.4 (MANE Select); coding-DNA position 584, T replaced by G.
Protein change: p.Ile195Arg; replaces isoleucine 195 with arginine.
Molecular consequence: missense variant.
Genome position (GRCh38, 1-based): chr16:23,635,962, A>C on the plus strand (T>G on the coding strand, the complement: PALB2 is on the minus strand). VCF-style: chr16-23635962-A-C. GRCh37 (hg19) VCF-style: chr16-23647283-A-C.
Other names: p.I195R:ATA>AGA; short protein forms I195R.
Identifiers: ClinVar variation 142133 (VCV000142133.15), dbSNP rs587782260, ClinGen allele CA294269.

ClinVar aggregate classification (germline): Uncertain significance. Review status: criteria provided, multiple submitters, no conflicts (2 of 4 stars). 3 submissions from 3 submitters: Uncertain significance (3). Last evaluated 2025-09-03.

Conditions:
Hereditary cancer-predisposing syndrome. Also called: Neoplastic Syndromes, Hereditary; Tumor predisposition; Hereditary Cancer Syndrome; Hereditary neoplastic syndrome. Identifiers: Orphanet 140162, MedGen C0027672, MeSH D009386, MONDO:0015356.
Familial cancer of breast. Also called: BREAST CANCER, FAMILIAL; Hereditary breast cancer; hereditary breast carcinoma. Identifiers: Orphanet 227535, MedGen C0346153, MONDO:0016419, OMIM 114480. Disease mechanism: loss of function.

Allele frequency attached by ClinVar (database versions not stated): gnomAD exomes below 0.00001; TOPMed below 0.00001; ExAC 0.00001.
gnomAD v4.1: 1 of 1,614,076 alleles (0.000062%); highest among the groups gnomAD compares: Non-Finnish European, 0.000085%; no homozygotes.

Submissions (3):

Labcorp Genetics (formerly Invitae), Labcorp
Classification: Uncertain significance for Familial cancer of breast. Last evaluated: 2025-09-03. Review status: criteria provided, single submitter. Criteria: Invitae Variant Classification Sherloc (09022015). Collection method: clinical testing. Allele origin: germline.
Comment: This sequence change replaces isoleucine, which is neutral and non-polar, with arginine, which is basic and polar, at codon 195 of the PALB2 protein (p.Ile195Arg). This variant is present in population databases (rs587782260, gnomAD 0.0009%). This variant has not been reported in the literature in individuals affected with PALB2-related conditions. ClinVar contains an entry for this variant (Variation ID: 142133). An algorithm developed to predict the effect of missense changes on protein structure and function outputs the following: PolyPhen-2: "Benign". The arginine amino acid residue is found in multiple mammalian species, which suggests that this missense change does not adversely affect protein function. In summary, the available evidence is currently insufficient to determine the role of this variant in disease. Therefore, it has been classified as a Variant of Uncertain Significance.

Ambry Genetics
Classification: Uncertain significance for Hereditary cancer-predisposing syndrome. Last evaluated: 2016-06-17. Review status: criteria provided, single submitter. Criteria: Ambry Autosomal Dominant and X-Linked criteria (10/2015). Collection method: clinical testing. Allele origin: germline. Observed: 1 variant allele.
Comment: The p.I195R variant (also known as c.584T>G) is located in coding exon 4 of the PALB2 gene. This alteration results from a T to G substitution at nucleotide position 584. The isoleucine at codon 195 is replaced by arginine, an amino acid with few similar properties. This variant was not reported in population-based cohorts in the following databases: Database of Single Nucleotide Polymorphisms (dbSNP), NHLBI Exome Sequencing Project (ESP) and 1000 Genomes Project. To date, this alteration has been detected with an allele frequency of approximately 0.0004% (greater than 225000 alleles tested) in our clinical cohort. Based on protein sequence alignment, this amino acid position is poorly conserved in available vertebrate species. In addition, this alteration is predicted to be tolerated by in silico analysis. Since supporting evidence is limited at this time, the clinical significance of this alteration remains unclear.

GeneDx
Classification: Uncertain significance. Last evaluated: 2014-09-08. Review status: criteria provided, single submitter. Criteria: GeneDx Variant Classification (06012015). Collection method: clinical testing. Allele origin: germline. Affected: yes.
Comment: This variant is denoted PALB2 c.584T>G at the cDNA level, p.Ile195Arg (I195R) at the protein level, and results in the change of an Isoleucine to an Arginine (ATA>AGA). This variant has not, to our knowledge, been published in the literature as pathogenic or benign. PALB2 Ile195Arg was not observed in approximately 6,500 individuals of European and African American ancestry in the NHLBI Exome Sequencing Project, indicating it is not a common benign variant in these populations. Since Isoleucine and Arginine differ in polarity, charge, size or other properties, this is considered a non-conservative amino acid substitution. PALB2 Ile195Arg occurs at a position that is variable across species and is located in the DNA-binding region and the region of interaction with BRCA1 and RAD51 (UniProt). In silico analyses predict that this variant is unlikely to alter protein structure or function. Based on currently available information, it is unclear whether PALB2 Ile195Arg is pathogenic or benign. We consider it to be a variant of uncertain significance.